The following is an entry in ClinVar:

ClinVar aggregate classification (germline): Conflicting classifications of pathogenicity. Review status: criteria provided, conflicting classifications (1 of 4 stars). 4 submissions from 4 submitters: Uncertain significance (1); Benign (1); Likely benign (2). Last evaluated 2025-12-23.

Conditions:
Autosomal dominant aplasia and myelodysplasia. Also called: Bone marrow failure syndrome 1. Identifiers: Orphanet 314399, MedGen C3808553, MONDO:0013851, OMIM 614675.

Allele frequency attached by ClinVar (database versions not stated): TOPMed 0.00008; gnomAD 0.00009 and 0.00010; gnomAD exomes 0.00009 and 0.00014; ExAC 0.00010; ESP Exome Variant Server 0.00015; 1000 Genomes Project 30x 0.00016; 1000 Genomes Project 0.00020.
gnomAD v4.1: 202 of 1,559,988 alleles (0.013%); highest among the groups gnomAD compares: Non-Finnish European, 0.017%; no homozygotes.

Submissions (5):

Labcorp Genetics (formerly Invitae), Labcorp
Classification: Likely benign. Last evaluated: 2025-12-23. Review status: criteria provided, single submitter. Criteria: Invitae Variant Classification Sherloc (09022015). Collection method: clinical testing. Allele origin: germline.

CeGaT Center for Human Genetics Tuebingen
Classification: Likely benign. Last evaluated: 2024-01-01. Review status: criteria provided, single submitter. Criteria: CeGaT Center For Human Genetics Tuebingen Variant Classification Criteria Version 2. Collection method: clinical testing. Allele origin: germline. Affected: yes. Observed: 1 variant allele.
Comment: SRP72: BP4, BS2

GeneDx
Classification: Uncertain significance. Last evaluated: 2018-12-03. Review status: criteria provided, single submitter. Criteria: GeneDx Variant Classification Process June 2021. Collection method: clinical testing. Allele origin: germline. Affected: yes.
Comment: In silico analysis supports a deleterious effect on splicing; Has not been previously published as pathogenic or benign to our knowledge

Illumina Laboratory Services, Illumina
Classification: Benign for Autosomal dominant aplasia and myelodysplasia. Last evaluated: 2018-01-13. Review status: criteria provided, single submitter. Criteria: ICSL Variant Classification Criteria 13 December 2019. Collection method: clinical testing. Allele origin: germline.
Comment: This variant was observed in the ICSL laboratory as part of a predisposition screen in an ostensibly healthy population. It had not been previously curated by ICSL or reported in the Human Gene Mutation Database (HGMD: prior to June 1st, 2018), and was therefore a candidate for classification through an automated scoring system. Utilizing variant allele frequency, disease prevalence and penetrance estimates, and inheritance mode, an automated score was calculated to assess if this variant is too frequent to cause the disease. Based on the score and internal cut-off values, a variant classified as benign is not then subjected to further curation. The score for this variant resulted in a classification of benign for this disease.

Dr. Peter K. Rogan Lab, Western University
No classification provided (evidence only). Condition: Familial cancer of breast. Review status: no classification provided. Collection method: in vitro. Allele origin: not applicable. Functional consequence: retained intron. Not counted in ClinVar's aggregate classification.

NM_006947.4(SRP72):c.110-5T>G

Gene: SRP72 (signal recognition particle 72; plus strand). Cytogenetic location: 4q12.
Variant type: single nucleotide variant.
Coding change: c.110-5T>G on transcript NM_006947.4 (MANE Select); 5 bases into the intron before coding-DNA position 110, T replaced by G.
Molecular consequence: intron variant.
Genome position (GRCh38, 1-based): chr4:56,469,648, T>G. VCF-style: chr4-56469648-T-G. GRCh37 (hg19) VCF-style: chr4-57335814-T-G.
Other names: c.110-5T>G (NM_001267722.2).
Identifiers: ClinVar variation 904986 (VCV000904986.32), dbSNP rs186908289, ClinGen allele CA2930972.